The following is an entry in ClinVar:

ClinVar aggregate classification (germline): Likely benign (1 of 4 stars; one submission).

Allele frequency attached by ClinVar (database versions not stated): TOPMed 0.00002 and 0.00003.
gnomAD v4.1: 4 of 1,614,118 alleles (0.00025%); highest among the groups gnomAD compares: Non-Finnish European, 0.00034%; no homozygotes.

Submission:

GeneDx
Classification: Likely benign. Last evaluated: 2017-08-16. Review status: criteria provided, single submitter. Criteria: GeneDx Variant Classification (06012015). Collection method: clinical testing. Allele origin: germline. Affected: yes.
Comment: This variant is considered likely benign or benign based on one or more of the following criteria: it is a conservative change, it occurs at a poorly conserved position in the protein, it is predicted to be benign by multiple in silico algorithms, and/or has population frequency not consistent with disease.

NM_001376.5(DYNC1H1):c.6858-12C>T

Gene: DYNC1H1 (dynein cytoplasmic 1 heavy chain 1; plus strand). Cytogenetic location: 14q32.31.
Variant type: single nucleotide variant.
Coding change: c.6858-12C>T on transcript NM_001376.5 (MANE Select); 12 bases into the intron before coding-DNA position 6858, C replaced by T.
Molecular consequence: intron variant.
Genome position (GRCh38, 1-based): chr14:102,012,302, C>T. VCF-style: chr14-102012302-C-T. GRCh37 (hg19) VCF-style: chr14-102478639-C-T.
Identifiers: ClinVar variation 511519 (VCV000511519.1), dbSNP rs1189606222, ClinGen allele CA658798266.